The following is an entry in ClinVar:

ClinVar aggregate classification (germline): Likely benign (1 of 4 stars; one submission).

Conditions:
Familial isolated arrhythmogenic right ventricular dysplasia. Identifiers: Orphanet 217656, MedGen C4274968, MONDO:0016342.

Submission:

All of Us Research Program, National Institutes of Health
Classification: Likely benign for Familial isolated arrhythmogenic right ventricular dysplasia. Last evaluated: 2023-09-17. Review status: criteria provided, single submitter. Criteria: ACMG Guidelines, 2015. Collection method: clinical testing. Allele origin: germline. Inheritance: Autosomal dominant inheritance. Observed: 1 variant allele, 1 heterozygote.
Comment: This study involves interpretation of variants in research participants for the purpose of population health screening. Participant phenotype was not available at the time of variant classification. Additional details can be found in publication PMID: 35346344, PMCID: PMC8962531

NM_024422.6(DSC2):c.1125A>G (p.Arg375=)

Gene: DSC2 (desmocollin 2; minus strand). Cytogenetic location: 18q12.1.
Variant type: single nucleotide variant.
Coding change: c.1125A>G on transcript NM_024422.6 (MANE Select); coding-DNA position 1125, A replaced by G.
Protein change: p.Arg375=; no amino-acid change (arginine 375 retained).
Molecular consequence: synonymous variant.
Genome position (GRCh38, 1-based): chr18:31,082,376, T>C on the plus strand (A>G on the coding strand, the complement: DSC2 is on the minus strand). VCF-style: chr18-31082376-T-C. GRCh37 (hg19) VCF-style: chr18-28662342-T-C.
Other names: c.696A>G, p.Arg232= (NM_001406506.1, NM_001406507.1); c.1125A>G, p.Arg375= (NM_004949.5).
Identifiers: ClinVar variation 3073420 (VCV003073420.1), dbSNP rs2510948389, ClinGen allele CA503387357.